The following is an entry in ClinVar:

ClinVar aggregate classification (germline): Uncertain significance (1 of 4 stars; one submission).

gnomAD v4.1: 1 of 1,614,156 alleles (0.000062%); highest among the groups gnomAD compares: Non-Finnish European, 0.000085%; no homozygotes.

Submission:

GeneDx
Classification: Uncertain significance. Last evaluated: 2023-12-28. Review status: criteria provided, single submitter. Criteria: GeneDx Variant Classification Process June 2021. Collection method: clinical testing. Allele origin: germline. Affected: yes.
Comment: Not observed at significant frequency in large population cohorts (gnomAD); In silico analysis supports a deleterious effect on splicing; Has not been previously published as pathogenic or benign to our knowledge

NM_004360.5(CDH1):c.688-5T>G

Gene: CDH1 (cadherin 1; plus strand). Cytogenetic location: 16q22.1.
Variant type: single nucleotide variant.
Coding change: c.688-5T>G on transcript NM_004360.5 (MANE Select); 5 bases into the intron before coding-DNA position 688, T replaced by G.
Molecular consequence: intron variant.
Genome position (GRCh38, 1-based): chr16:68,810,192, T>G. VCF-style: chr16-68810192-T-G. GRCh37 (hg19) VCF-style: chr16-68844095-T-G.
Other names: c.-928-5T>G (NM_001317185.2); c.-1132-5T>G (NM_001317186.2); c.688-5T>G (NM_001317184.2).
Identifiers: ClinVar variation 3367295 (VCV003367295.1).